The following is an entry in ClinVar:

ClinVar aggregate classification (germline): Uncertain significance (1 of 4 stars; one submission).

Conditions:
Duchenne muscular dystrophy (DMD). Also called: MUSCULAR DYSTROPHY, PSEUDOHYPERTROPHIC PROGRESSIVE, DUCHENNE TYPE; Duchenne Muscular Dystrophy (DMD). Identifiers: Orphanet 98896, MedGen C0013264, MONDO:0010679, OMIM 310200.

Allele frequency attached by ClinVar (database versions not stated): gnomAD exomes below 0.00001 and 0.00001; ExAC 0.00001.
gnomAD v4.1: 2 of 1,207,974 alleles (0.00017%); highest among the groups gnomAD compares: South Asian, 0.0035%; no homozygotes.

Submission:

Labcorp Genetics (formerly Invitae), Labcorp
Classification: Uncertain significance for Duchenne muscular dystrophy. Last evaluated: 2021-10-17. Review status: criteria provided, single submitter. Criteria: Invitae Variant Classification Sherloc (09022015). Collection method: clinical testing. Allele origin: germline.
Comment: This sequence change replaces lysine with glutamine at codon 2146 of the DMD protein (p.Lys2146Gln). The lysine residue is moderately conserved and there is a small physicochemical difference between lysine and glutamine. This variant is present in population databases (rs774219434, ExAC 0.01%). This variant has not been reported in the literature in individuals affected with DMD-related conditions. Algorithms developed to predict the effect of missense changes on protein structure and function are either unavailable or do not agree on the potential impact of this missense change (SIFT: "Tolerated"; PolyPhen-2: "Possibly Damaging"; Align-GVGD: "Class C0"). Algorithms developed to predict the effect of sequence changes on RNA splicing suggest that this variant may create or strengthen a splice site. In summary, the available evidence is currently insufficient to determine the role of this variant in disease. Therefore, it has been classified as a Variant of Uncertain Significance.

NM_004006.3(DMD):c.6436A>C (p.Lys2146Gln)

Gene: DMD (dystrophin; minus strand). Cytogenetic location: Xp21.1.
Variant type: single nucleotide variant.
Coding change: c.6436A>C on transcript NM_004006.3 (MANE Select); coding-DNA position 6436, A replaced by C.
Protein change: p.Lys2146Gln; replaces lysine 2146 with glutamine.
Molecular consequence: missense variant.
Genome position (GRCh38, 1-based): chrX:32,216,918, T>G on the plus strand (A>C on the coding strand, the complement: DMD is on the minus strand). VCF-style: chrX-32216918-T-G. GRCh37 (hg19) VCF-style: chrX-32235035-T-G.
Other names: c.6412A>C, p.Lys2138Gln (NM_000109.4); c.6424A>C, p.Lys2142Gln (NM_004009.3); c.6067A>C, p.Lys2023Gln (NM_004010.3); c.2413A>C, p.Lys805Gln (NM_004011.4); c.2404A>C, p.Lys802Gln (NM_004012.4); short protein forms K2142Q, K2023Q, K2138Q, K2146Q, K802Q, K805Q.
Identifiers: ClinVar variation 1402427 (VCV001402427.3), dbSNP rs774219434, ClinGen allele CA10378472.